The following is an entry in ClinVar:

ClinVar aggregate classification (germline): Uncertain significance (1 of 4 stars; one submission).

Allele frequency attached by ClinVar (database versions not stated): gnomAD exomes below 0.00001; TOPMed below 0.00001.
gnomAD v4.1: 2 of 1,613,810 alleles (0.00012%); highest among the groups gnomAD compares: Non-Finnish European, 0.00017%; no homozygotes.

Submission:

CeGaT Center for Human Genetics Tuebingen
Classification: Uncertain significance. Last evaluated: 2023-12-01. Review status: criteria provided, single submitter. Criteria: CeGaT Center For Human Genetics Tuebingen Variant Classification Criteria Version 2. Collection method: clinical testing. Allele origin: germline. Affected: yes. Observed: 1 variant allele.
Comment: TTN: PM2, BP4

NM_001267550.2(TTN):c.27188A>G (p.Asp9063Gly)

Gene: TTN (titin; minus strand). Cytogenetic location: 2q31.2.
Variant type: single nucleotide variant.
Coding change: c.27188A>G on transcript NM_001267550.2 (MANE Select); coding-DNA position 27188, A replaced by G.
Protein change: p.Asp9063Gly; replaces aspartic acid 9063 with glycine.
Molecular consequence: missense variant. On other transcripts: intron variant (3).
Genome position (GRCh38, 1-based): chr2:178,712,837, T>C on the plus strand (A>G on the coding strand, the complement: TTN is on the minus strand). VCF-style: chr2-178712837-T-C. GRCh37 (hg19) VCF-style: chr2-179577564-T-C.
Other names: c.26237A>G, p.Asp8746Gly (NM_001256850.1); c.23456A>G, p.Asp7819Gly (NM_133378.4); c.13282+25245A>G (NM_003319.4); c.13858+25245A>G (NM_133437.4); c.13657+25245A>G (NM_133432.3); short protein forms D7819G, D8746G, D9063G.
Identifiers: ClinVar variation 3026763 (VCV003026763.22), dbSNP rs2076862575, ClinGen allele CA349456315.